The following is an entry in ClinVar:

NM_000455.5(STK11):c.964A>G (p.Ile322Val)

Gene: STK11 (serine/threonine kinase 11; plus strand). Cytogenetic location: 19p13.3.
Variant type: single nucleotide variant.
Coding change: c.964A>G on transcript NM_000455.5 (MANE Select); coding-DNA position 964, A replaced by G.
Protein change: p.Ile322Val; replaces isoleucine 322 with valine.
Molecular consequence: missense variant.
Genome position (GRCh38, 1-based): chr19:1,223,028, A>G. VCF-style: chr19-1223028-A-G. GRCh37 (hg19) VCF-style: chr19-1223027-A-G.
Other names: c.964A>G (NM_000455.4); short protein forms I322V.
Identifiers: ClinVar variation 1498444 (VCV001498444.9), dbSNP rs1464772848, ClinGen allele CA402951558.

ClinVar aggregate classification (germline): Uncertain significance. Review status: criteria provided, multiple submitters, no conflicts (2 of 4 stars). 3 submissions from 3 submitters: Uncertain significance (3). Last evaluated 2025-06-23.

Conditions:
Hereditary cancer-predisposing syndrome. Also called: Tumor predisposition; Hereditary neoplastic syndrome; Neoplastic Syndromes, Hereditary; Hereditary Cancer Syndrome. Identifiers: Orphanet 140162, MedGen C0027672, MeSH D009386, MONDO:0015356.
Peutz-Jeghers syndrome (PJS). Also called: POLYPOSIS, HAMARTOMATOUS INTESTINAL; POLYPS-AND-SPOTS SYNDROME; Peutz-Jeghers polyposis; Periorificial lentiginosis syndrome. Identifiers: Orphanet 2869, MedGen C0031269, MeSH D010580, MONDO:0008280, OMIM 175200.

Allele frequency attached by ClinVar (database versions not stated): gnomAD exomes 0.00001.
gnomAD v4.1: 3 of 1,590,994 alleles (0.00019%); highest among the groups gnomAD compares: Non-Finnish European, 0.00026%; no homozygotes.

Submissions (3):

Color Diagnostics, LLC DBA Color Health
Classification: Uncertain significance for Hereditary cancer-predisposing syndrome. Last evaluated: 2025-06-23. Review status: criteria provided, single submitter. Criteria: ACMG Guidelines, 2015. Collection method: clinical testing. Allele origin: germline.
Comment: This missense variant replaces isoleucine with valine at codon 322 of the STK11 protein. Computational prediction suggests that this variant may not impact protein structure and function. To our knowledge, functional studies have not been reported for this variant. This variant has not been reported in individuals affected with STK11-related disorders in the literature. This variant has not been identified in the general population by the Genome Aggregation Database (gnomAD). The available evidence is insufficient to determine the role of this variant in disease conclusively. Therefore, this variant is classified as a Variant of Uncertain Significance.

Ambry Genetics
Classification: Uncertain significance for Hereditary cancer-predisposing syndrome. Last evaluated: 2025-06-10. Review status: criteria provided, single submitter. Criteria: Ambry Variant Classification Scheme 2023. Collection method: clinical testing. Allele origin: germline.
Comment: The p.I322V variant (also known as c.964A>G), located in coding exon 8 of the STK11 gene, results from an A to G substitution at nucleotide position 964. The isoleucine at codon 322 is replaced by valine, an amino acid with highly similar properties. This amino acid position is conserved. In addition, the in silico prediction for this alteration is inconclusive. Based on the available evidence, the clinical significance of this variant remains unclear.

Labcorp Genetics (formerly Invitae), Labcorp
Classification: Uncertain significance for Peutz-Jeghers syndrome. Last evaluated: 2024-03-17. Review status: criteria provided, single submitter. Criteria: Invitae Variant Classification Sherloc (09022015). Collection method: clinical testing. Allele origin: germline.
Comment: This sequence change replaces isoleucine, which is neutral and non-polar, with valine, which is neutral and non-polar, at codon 322 of the STK11 protein (p.Ile322Val). This variant is not present in population databases (gnomAD no frequency). This variant has not been reported in the literature in individuals affected with STK11-related conditions. ClinVar contains an entry for this variant (Variation ID: 1498444). Advanced modeling of protein sequence and biophysical properties (such as structural, functional, and spatial information, amino acid conservation, physicochemical variation, residue mobility, and thermodynamic stability) performed at Invitae indicates that this missense variant is not expected to disrupt STK11 protein function with a negative predictive value of 95%. In summary, the available evidence is currently insufficient to determine the role of this variant in disease. Therefore, it has been classified as a Variant of Uncertain Significance.